The following is an entry in ClinVar:

ClinVar aggregate classification (germline): Uncertain significance (1 of 4 stars; one submission).

Conditions:
Ullrich congenital muscular dystrophy 2 (UCMD2). Identifiers: Orphanet 75840, MedGen C4225314, MONDO:0014654, OMIM 616470.
Bethlem myopathy 2 (BTHLM2). Identifiers: Orphanet 536516, Orphanet 610, MedGen C4225313, MONDO:0034022, OMIM 616471.

Submission:

Labcorp Genetics (formerly Invitae), Labcorp
Classification: Uncertain significance for Bethlem myopathy 2; Ullrich congenital muscular dystrophy 2. Last evaluated: 2024-10-02. Review status: criteria provided, single submitter. Criteria: Invitae Variant Classification Sherloc (09022015). Collection method: clinical testing. Allele origin: germline.
Comment: This sequence change replaces serine, which is neutral and polar, with tyrosine, which is neutral and polar, at codon 999 of the COL12A1 protein (p.Ser999Tyr). This variant is not present in population databases (gnomAD no frequency). This variant has not been reported in the literature in individuals affected with COL12A1-related conditions. ClinVar contains an entry for this variant (Variation ID: 1001586). Invitae Evidence Modeling of protein sequence and biophysical properties (such as structural, functional, and spatial information, amino acid conservation, physicochemical variation, residue mobility, and thermodynamic stability) indicates that this missense variant is not expected to disrupt COL12A1 protein function with a negative predictive value of 80%. In summary, the available evidence is currently insufficient to determine the role of this variant in disease. Therefore, it has been classified as a Variant of Uncertain Significance.

NM_004370.6(COL12A1):c.2996C>A (p.Ser999Tyr)

Gene: COL12A1 (collagen type XII alpha 1 chain; minus strand). Cytogenetic location: 6q13.
Variant type: single nucleotide variant.
Coding change: c.2996C>A on transcript NM_004370.6 (MANE Select); coding-DNA position 2996, C replaced by A.
Protein change: p.Ser999Tyr; replaces serine 999 with tyrosine.
Molecular consequence: missense variant. On other transcripts: intron variant (1).
Genome position (GRCh38, 1-based): chr6:75,156,511, G>T on the plus strand (C>A on the coding strand, the complement: COL12A1 is on the minus strand). VCF-style: chr6-75156511-G-T. GRCh37 (hg19) VCF-style: chr6-75866227-G-T.
Other names: c.74-4029C>A (NM_080645.3); short protein forms S999Y.
Identifiers: ClinVar variation 1001586 (VCV001001586.9), dbSNP rs1767775644, ClinGen allele CA364755008.
Genomic context (GRCh38, chr6:75,156,511, plus strand): 5'-GCTGGTTTCCATGTAACTCTCATTGTGTTTTCTGTTTCTTCATCTACTTTCAGGGTTTTG[G>T]AATCTTGAGATACTGGGAGATAAAAGGAAGATTAAACTGTATACCATGTTGAAAAAAAAT-3'
Protein context (NP_004361.3, residues 989-1009): GDATTELSQD[Ser999Tyr]KTLKVDEETE